The following is an entry in ClinVar:

ClinVar aggregate classification (germline): Uncertain significance. Review status: criteria provided, multiple submitters, no conflicts (2 of 4 stars). 2 submissions from 2 submitters: Uncertain significance (2). Last evaluated 2026-03-18.

Conditions:
Inborn genetic diseases. Identifiers: MedGen C0950123, MeSH D030342.
Fanconi anemia complementation group A (FANCA). Also called: FANCA-Related Fanconi Anemia; Fanconi anemia, group A. Identifiers: Orphanet 84, MedGen C3469521, MONDO:0009215, OMIM 227650.

gnomAD v4.1: 3 of 1,614,022 alleles (0.00019%); highest among the groups gnomAD compares: African/African-American, 0.004%; no homozygotes.

Submissions (2):

Ambry Genetics
Classification: Uncertain significance for Inborn genetic diseases. Last evaluated: 2026-03-18. Review status: criteria provided, single submitter. Criteria: Ambry Variant Classification Scheme 2023. Collection method: clinical testing. Allele origin: germline.
Comment: The p.T1279R variant (also known as c.3836C>G), located in coding exon 39 of the FANCA gene, results from a C to G substitution at nucleotide position 3836. The threonine at codon 1279 is replaced by arginine, an amino acid with similar properties. This amino acid position is conserved. In addition, this alteration is predicted to be tolerated by in silico analysis. Based on the available evidence, the clinical significance of this variant remains unclear.

St. Jude Molecular Pathology, St. Jude Children's Research Hospital
Classification: Uncertain significance for Fanconi anemia complementation group A. Last evaluated: 2024-08-24. Review status: criteria provided, single submitter. Criteria: St. Jude Assertion Criteria 2020. Collection method: clinical testing. Allele origin: germline.
Comment: The FANCA c.3836C>G (p.Thr1279Arg) missense change is absent in gnomAD v2.1.1. The in silico tool REVEL predicts a benign effect on protein function, but to our knowledge this prediction has not been confirmed by functional studies. To our knowledge, this variant has not been reported in individuals with Fanconi anemia. In summary, the evidence currently available is insufficient to determine the clinical significance of this variant. It has therefore been classified as of uncertain significance.

NM_000135.4(FANCA):c.3836C>G (p.Thr1279Arg)

Genes: FANCA (FA complementation group A; minus strand), ZNF276 (zinc finger protein 276; plus strand). Cytogenetic location: 16q24.3.
Variant type: single nucleotide variant.
Coding change: c.3836C>G on transcript NM_000135.4 (MANE Select); coding-DNA position 3836, C replaced by G.
Protein change: p.Thr1279Arg; replaces threonine 1279 with arginine.
Molecular consequence: missense variant. On other transcripts: 3 prime UTR variant (2), non-coding transcript variant (4).
Genome position (GRCh38, 1-based): chr16:89,740,092, G>C on the plus strand (C>G on the coding strand, the complement: FANCA is on the minus strand). VCF-style: chr16-89740092-G-C. GRCh37 (hg19) VCF-style: chr16-89806500-G-C.
Other names: c.3836C>G, p.Thr1279Arg (NM_001286167.3); c.*1846G>C (NM_001113525.2, NM_152287.4); short protein forms T1279R.
Identifiers: ClinVar variation 3602659 (VCV003602659.3).